The following is an entry in ClinVar:

ClinVar aggregate classification (germline): Benign. Review status: criteria provided, multiple submitters, no conflicts (2 of 4 stars). 2 submissions from 2 submitters: Benign (2). Last evaluated 2018-01-13.

Conditions:
Amyotrophic lateral sclerosis type 9 (ALS9). Identifiers: Orphanet 803, MedGen C2678468, MONDO:0012753, OMIM 611895.

Allele frequency attached by ClinVar (database versions not stated): TOPMed 0.01957; 1000 Genomes Project 30x 0.02171; gnomAD exomes 0.00820; 1000 Genomes Project 0.02216.
gnomAD v4.1: 3,860 of 152,380 alleles (2.5%); highest among the groups gnomAD compares: South Asian, 4.2%; 66 homozygotes.

Submissions (2):

Illumina Laboratory Services, Illumina
Classification: Benign for Amyotrophic lateral sclerosis type 9. Last evaluated: 2018-01-13. Review status: criteria provided, single submitter. Criteria: ICSL Variant Classification Criteria 13 December 2019. Collection method: clinical testing. Allele origin: germline.
Comment: This variant was observed in the ICSL laboratory as part of a predisposition screen in an ostensibly healthy population. It had not been previously curated by ICSL or reported in the Human Gene Mutation Database (HGMD: prior to June 1st, 2018), and was therefore a candidate for classification through an automated scoring system. Utilizing variant allele frequency, disease prevalence and penetrance estimates, and inheritance mode, an automated score was calculated to assess if this variant is too frequent to cause the disease. Based on the score and internal cut-off values, a variant classified as benign is not then subjected to further curation. The score for this variant resulted in a classification of benign for this disease.

Breakthrough Genomics
Classification: Benign. Review status: criteria provided, single submitter. Criteria: ACMG Guidelines, 2015. Collection method: not provided. Allele origin: germline. Inheritance: Unknown mechanism. Affected: yes.

NM_001145.4(ANG):c.-237A>C

Gene: ANG (angiogenin; plus strand). Cytogenetic location: 14q11.2.
Variant type: single nucleotide variant.
Coding change: c.-237A>C on transcript NM_001145.4; 237 bases upstream of the start codon, A replaced by C.
Molecular consequence: 5 prime UTR variant.
Genome position (GRCh38, 1-based): chr14:20,684,540, A>C. VCF-style: chr14-20684540-A-C. GRCh37 (hg19) VCF-style: chr14-21152699-A-C.
Identifiers: ClinVar variation 312769 (VCV000312769.8), dbSNP rs45525731, ClinGen allele CA10643893.